The following is an entry in ClinVar:

ClinVar aggregate classification (germline): Uncertain significance (1 of 4 stars; one submission).

gnomAD v4.1: 7 of 1,607,670 alleles (0.00044%); highest among the groups gnomAD compares: East Asian, 0.016%; no homozygotes.

Submission:

Ambry Genetics
Classification: Uncertain significance. Last evaluated: 2024-07-13. Review status: criteria provided, single submitter. Criteria: Ambry Variant Classification Scheme 2023. Collection method: clinical testing. Allele origin: germline.
Comment: The p.V1991M variant (also known as c.5971G>A) is located in coding exon 19 of the POLQ gene. The valine at codon 1991 is replaced by methionine, an amino acid with highly similar properties. This change occurs in the first base pair of coding exon 19. This amino acid position is conserved. In addition, this alteration is predicted to be tolerated by in silico analysis. Based on the available evidence, the clinical significance of this variant remains unclear.

NM_199420.4(POLQ):c.5971G>A (p.Val1991Met)

Gene: POLQ (DNA polymerase theta; minus strand). Cytogenetic location: 3q13.33.
Variant type: single nucleotide variant.
Coding change: c.5971G>A on transcript NM_199420.4 (MANE Select); coding-DNA position 5971, G replaced by A.
Protein change: p.Val1991Met; replaces valine 1991 with methionine.
Molecular consequence: missense variant.
Genome position (GRCh38, 1-based): chr3:121,481,812, C>T on the plus strand (G>A on the coding strand, the complement: POLQ is on the minus strand). VCF-style: chr3-121481812-C-T. GRCh37 (hg19) VCF-style: chr3-121200659-C-T.
Other names: short protein forms V1991M.
Identifiers: ClinVar variation 3422376 (VCV003422376.1).